The following is an entry in ClinVar:

NM_004168.4(SDHA):c.64-2A>C

Gene: SDHA (succinate dehydrogenase complex flavoprotein subunit A; plus strand). Cytogenetic location: 5p15.33.
Variant type: single nucleotide variant.
Coding change: c.64-2A>C on transcript NM_004168.4 (MANE Select); the canonical splice acceptor site of the intron before coding-DNA position 64, A replaced by C.
Molecular consequence: splice acceptor variant.
Genome position (GRCh38, 1-based): chr5:223,480, A>C. VCF-style: chr5-223480-A-C. GRCh37 (hg19) VCF-style: chr5-223595-A-C.
Other names: c.64-2A>C (NM_001330758.2, NM_001294332.2).
Identifiers: ClinVar variation 2191137 (VCV002191137.4), dbSNP rs762456298, ClinGen allele CA3172712.

ClinVar aggregate classification (germline): Likely pathogenic (1 of 4 stars; one submission).

Conditions:
Mitochondrial complex II deficiency, nuclear type 1. Also called: SUCCINATE CoQ REDUCTASE DEFICIENCY. Identifiers: Orphanet 3208, MedGen C5700310, MONDO:0100294, OMIM 252011.
Pheochromocytoma/paraganglioma syndrome 5. Also called: Paragangliomas 5; SDHA-Related Hereditary Paraganglioma-Pheochromocytoma Syndrome. Identifiers: Orphanet 29072, MedGen C3279992, MONDO:0013602, OMIM 614165.

Allele frequency attached by ClinVar (database versions not stated): ExAC 0.00001.

Submission:

Labcorp Genetics (formerly Invitae), Labcorp
Classification: Likely pathogenic for Pheochromocytoma/paraganglioma syndrome 5; Mitochondrial complex II deficiency, nuclear type 1. Last evaluated: 2025-04-07. Review status: criteria provided, single submitter. Criteria: Invitae Variant Classification Sherloc (09022015). Collection method: clinical testing. Allele origin: germline.
Comment: This sequence change affects an acceptor splice site in intron 1 of the SDHA gene. RNA analysis indicates that disruption of this splice site induces altered splicing and may result in an absent or altered protein product. This variant is present in population databases (rs762456298, gnomAD 0.003%). Disruption of this splice site has been observed in individual(s) with autosomal recessive mitochondrial complex II deficiency (PMID: 24781757). ClinVar contains an entry for this variant (Variation ID: 2191137). Studies have shown that disruption of this splice site results in activation of a cryptic splice site, and produces a non-functional protein and/or introduces a premature termination codon (internal data). In summary, the currently available evidence indicates that the variant is pathogenic, but additional data are needed to prove that conclusively. Therefore, this variant has been classified as Likely Pathogenic.

Literature cited by the submitters: PubMed 24781757.